The following is an entry in ClinVar:

NM_018117.12(WDR11):c.2759A>G (p.Tyr920Cys)

Gene: WDR11 (WD repeat domain 11; plus strand). Cytogenetic location: 10q26.12.
Variant type: single nucleotide variant.
Coding change: c.2759A>G on transcript NM_018117.12 (MANE Select); coding-DNA position 2759, A replaced by G.
Protein change: p.Tyr920Cys; replaces tyrosine 920 with cysteine.
Molecular consequence: missense variant.
Genome position (GRCh38, 1-based): chr10:120,903,060, A>G. VCF-style: chr10-120903060-A-G. GRCh37 (hg19) VCF-style: chr10-122662572-A-G.
Other names: short protein forms Y920C.
Identifiers: ClinVar variation 1310578 (VCV001310578.6), dbSNP rs369937095, ClinGen allele CA5720116.

ClinVar aggregate classification (germline): Uncertain significance. Review status: criteria provided, multiple submitters, no conflicts (2 of 4 stars). 3 submissions from 3 submitters: Uncertain significance (3). Last evaluated 2026-01-21.

Conditions:
WDR11-related disorder. Also called: WDR11-related condition.
Inborn genetic diseases. Identifiers: MedGen C0950123, MeSH D030342.

Allele frequency attached by ClinVar (database versions not stated): gnomAD exomes 0.00002; ExAC 0.00003; gnomAD 0.00003 and 0.00004; ESP Exome Variant Server 0.00008; TOPMed 0.00003.
gnomAD v4.1: 41 of 1,613,846 alleles (0.0025%); highest among the groups gnomAD compares: Non-Finnish European, 0.0034%; no homozygotes.

Submissions (3):

PreventionGenetics, part of Exact Sciences
Classification: Uncertain significance for WDR11-related condition. Last evaluated: 2026-01-21. Review status: criteria provided, single submitter. Criteria: ACMG Guidelines, 2015. Collection method: clinical testing. Allele origin: germline.
Comment: The WDR11 c.2759A>G variant is predicted to result in the amino acid substitution p.Tyr920Cys. To our knowledge, this variant has not been reported in the literature. This variant is reported in 0.0035% of alleles in individuals of European (Non-Finnish) descent in gnomAD. At this time, the clinical significance of this variant is uncertain due to the absence of conclusive functional and genetic evidence.

GeneDx
Classification: Uncertain significance. Last evaluated: 2023-11-13. Review status: criteria provided, single submitter. Criteria: GeneDx Variant Classification Process June 2021. Collection method: clinical testing. Allele origin: germline. Affected: yes.
Comment: In silico analysis, which includes protein predictors and evolutionary conservation, supports a deleterious effect; Has not been previously published as pathogenic or benign to our knowledge

Ambry Genetics
Classification: Uncertain significance for Inborn genetic diseases. Last evaluated: 2021-10-20. Review status: criteria provided, single submitter. Criteria: Ambry Variant Classification Scheme 2023. Collection method: clinical testing. Allele origin: germline.